The following is an entry in ClinVar:

NM_005141.5(FGB):c.556A>T (p.Thr186Ser)

Gene: FGB (fibrinogen beta chain; plus strand). Cytogenetic location: 4q31.3.
Variant type: single nucleotide variant.
Coding change: c.556A>T on transcript NM_005141.5 (MANE Select); coding-DNA position 556, A replaced by T.
Protein change: p.Thr186Ser; replaces threonine 186 with serine.
Molecular consequence: missense variant.
Genome position (GRCh38, 1-based): chr4:154,567,658, A>T. VCF-style: chr4-154567658-A-T. GRCh37 (hg19) VCF-style: chr4-155488810-A-T.
Other names: c.379A>T, p.Thr127Ser (NM_001184741.1); c.424A>T, p.Thr142Ser (NM_001382759.1); c.556A>T, p.Thr186Ser (NM_001382760.1, NM_001382761.1, NM_001382762.1 and 3 more transcripts); short protein forms T127S, T142S, T186S.
Identifiers: ClinVar variation 3343504 (VCV003343504.1).

ClinVar aggregate classification (germline): Uncertain significance (1 of 4 stars; one submission).

Submission:

GeneDx
Classification: Uncertain significance. Last evaluated: 2023-05-19. Review status: criteria provided, single submitter. Criteria: GeneDx Variant Classification Process June 2021. Collection method: clinical testing. Allele origin: germline. Affected: yes.
Comment: Not observed at significant frequency in large population cohorts (gnomAD); In silico analysis supports that this missense variant does not alter protein structure/function; Has not been previously published as pathogenic or benign to our knowledge